The following is an entry in ClinVar:

ClinVar aggregate classification (germline): Conflicting classifications of pathogenicity. Review status: criteria provided, conflicting classifications (1 of 4 stars). 5 submissions from 5 submitters: Uncertain significance (4); Likely benign (1). Last evaluated 2025-12-09.

Conditions:
Long QT syndrome (LQTS). Identifiers: MedGen C0023976, MeSH D008133, MONDO:0002442. Disease mechanism: loss of function. Inheritance: Various modes of inheritance.
Cardiovascular phenotype. Identifiers: MedGen CN230736.
Cardiac arrhythmia, ankyrin-B-related. Also called: ANKYRIN-B SYNDROME. Identifiers: Orphanet 101016, Orphanet 768, MedGen C1970119, MONDO:0010958, OMIM 600919.

Allele frequency attached by ClinVar (database versions not stated): gnomAD exomes 0.00001 and 0.00002; ExAC 0.00002; gnomAD 0.00006; ESP Exome Variant Server 0.00008; TOPMed 0.00008.
gnomAD v4.1: 25 of 1,614,134 alleles (0.0015%); highest among the groups gnomAD compares: African/African-American, 0.029%; no homozygotes.

Submissions (5):

Labcorp Genetics (formerly Invitae), Labcorp
Classification: Uncertain significance for Long QT syndrome. Last evaluated: 2025-12-09. Review status: criteria provided, single submitter. Criteria: Invitae Variant Classification Sherloc (09022015). Collection method: clinical testing. Allele origin: germline.
Comment: This sequence change replaces serine, which is neutral and polar, with asparagine, which is neutral and polar, at codon 2471 of the ANK2 protein (p.Ser2471Asn). This variant is present in population databases (rs375139170, gnomAD 0.02%). This variant has not been reported in the literature in individuals affected with ANK2-related conditions. ClinVar contains an entry for this variant (Variation ID: 851921). An algorithm developed to predict the effect of missense changes on protein structure and function outputs the following: PolyPhen-2: "Benign". The asparagine amino acid residue is found in multiple mammalian species, which suggests that this missense change does not adversely affect protein function. In summary, the available evidence is currently insufficient to determine the role of this variant in disease. Therefore, it has been classified as a Variant of Uncertain Significance.

GeneDx
Classification: Uncertain significance. Last evaluated: 2025-02-25. Review status: criteria provided, single submitter. Criteria: GeneDx Variant Classification Process June 2021. Collection method: clinical testing. Allele origin: germline. Affected: yes.
Comment: Has not been previously published as pathogenic or benign to our knowledge; Located in exon 38, which is reported as being expressed in a brain-specific transcript (PMID: 1830053, 18790697, 26109584); In silico analysis indicates that this missense variant does not alter protein structure/function; This variant is associated with the following publications: (PMID: 1830053, 18790697, 26109584)

Fulgent Genetics
Classification: Uncertain significance for Cardiac arrhythmia, ankyrin-B-related. Last evaluated: 2021-07-29. Review status: criteria provided, single submitter. Criteria: ACMG Guidelines, 2015. Collection method: clinical testing. Allele origin: unknown.

ARUP Laboratories, Molecular Genetics and Genomics, ARUP Laboratories
Classification: Uncertain significance. Last evaluated: 2020-08-23. Review status: criteria provided, single submitter. Criteria: ARUP Molecular Germline Variant Investigation Process. Collection method: clinical testing. Allele origin: germline.
Comment: The ANK2 c.7412G>A, p.Ser2471Asn variant (rs375139170), to our knowledge, is not reported in the medical literature but is reported as uncertain in ClinVar (Variation ID: 851921). This variant is found in the African population with an allele frequency of 0.02% (2/24,958 alleles) in the Genome Aggregation Database. The serine at codon 2471 is moderately conserved, and computational analyses (SIFT: tolerated, PolyPhen-2: possibly damaging) predict conflicting effects of this variant on protein structure/function. Due to limited information, the clinical significance of the p.Ser2471Asn variant is uncertain at this time. Gene statement: Pathogenic variants in ANK2 are associated with autosomal dominant ankyrin-B-related cardiac arrhythmia and long QT syndrome 4 (MIM: 600919).

Ambry Genetics
Classification: Likely benign for Cardiovascular phenotype. Last evaluated: 2020-06-13. Review status: criteria provided, single submitter. Criteria: Ambry Variant Classification Scheme 2023. Collection method: clinical testing. Allele origin: germline.

NM_001148.6(ANK2):c.7412G>A (p.Ser2471Asn)

Genes: ANK2 (ankyrin 2; plus strand), LOC126807137 (CDK7 strongly-dependent group 2 enhancer GRCh37_chr4:114276560-114277759; plus strand). Cytogenetic location: 4q26.
Variant type: single nucleotide variant.
Coding change: c.7412G>A on transcript NM_001148.6 (MANE Select); coding-DNA position 7412, G replaced by A.
Protein change: p.Ser2471Asn; replaces serine 2471 with asparagine.
Molecular consequence: missense variant. On other transcripts: intron variant (68).
Genome position (GRCh38, 1-based): chr4:113,356,030, G>A. VCF-style: chr4-113356030-G-A. GRCh37 (hg19) VCF-style: chr4-114277186-G-A.
Other names: c.7178G>A, p.Ser2393Asn (NM_001386142.1); c.3812G>A, p.Ser1271Asn (NM_001386166.1); c.7553G>A, p.Ser2518Asn (NM_001386174.1); c.7529G>A, p.Ser2510Asn (NM_001386175.1); c.4412-4793G>A (NM_001386186.2, NM_001386148.2); c.4214-4793G>A (NM_001354269.3); c.4292-4793G>A (NM_001386187.2); c.4253-4793G>A (NM_001386147.1); and 35 more; short protein forms S2471N, S1271N, S2393N, S2510N, S2518N.
Identifiers: ClinVar variation 851921 (VCV000851921.18), dbSNP rs375139170, ClinGen allele CA3051583.